The following is an entry in ClinVar:

ClinVar aggregate classification (germline): Benign/Likely benign. Review status: criteria provided, multiple submitters, no conflicts (2 of 4 stars). 9 submissions from 9 submitters: Benign (1); Likely benign (7). 1 of the submissions does not count toward it. Last evaluated 2026-05-14.

Conditions:
NF1-related disorder. Also called: NF1-related condition. Identifiers: MedGen CN379171.
Hereditary cancer-predisposing syndrome. Also called: Tumor predisposition; Neoplastic Syndromes, Hereditary; Hereditary neoplastic syndrome; Hereditary Cancer Syndrome. Identifiers: Orphanet 140162, MedGen C0027672, MeSH D009386, MONDO:0015356.
Neurofibromatosis, type 1 (NF1). Also called: NEUROFIBROMATOSIS, TYPE I, SOMATIC; Peripheral type neurofibromatosis; VON RECKLINGHAUSEN DISEASE; Neurofibromatosis, type I. Identifiers: Orphanet 636, MedGen C0027831, MONDO:0018975, OMIM 162200. Disease mechanism: loss of function.

Allele frequency attached by ClinVar (database versions not stated): TOPMed 0.00002; gnomAD 0.00003; gnomAD exomes 0.00004 and 0.00006; ExAC 0.00009.
gnomAD v4.1: 67 of 1,613,510 alleles (0.0042%); highest among the groups gnomAD compares: East Asian, 0.0089%; no homozygotes.

Submissions (9):

Myriad Genetics, Inc.
Classification: Benign for Neurofibromatosis, type 1. Last evaluated: 2026-05-14. Review status: criteria provided, single submitter. Criteria: Myriad Autosomal Dominant, Autosomal Recessive and X-Linked Classification Criteria (2023). Collection method: clinical testing. Allele origin: unknown.
Comment: This variant is considered benign. This variant is a silent/synonymous amino acid change and it is not expected to impact splicing.

Labcorp Genetics (formerly Invitae), Labcorp
Classification: Likely benign for Neurofibromatosis, type 1. Last evaluated: 2026-01-19. Review status: criteria provided, single submitter. Criteria: Invitae Variant Classification Sherloc (09022015). Collection method: clinical testing. Allele origin: germline.

Blueprint Genetics
Classification: Likely benign. Last evaluated: 2022-10-20. Review status: criteria provided, single submitter. Criteria: ACMG Guidelines, 2015. Collection method: clinical testing. Allele origin: germline.

Genome-Nilou Lab
Classification: Likely benign for Neurofibromatosis, type 1. Last evaluated: 2022-03-15. Review status: criteria provided, single submitter. Criteria: ACMG Guidelines, 2015. Collection method: clinical testing. Allele origin: germline. Affected: no.

Sema4
Classification: Likely benign for Hereditary cancer-predisposing syndrome. Last evaluated: 2021-09-17. Review status: criteria provided, single submitter. Criteria: Sema4 Curation Guidelines. Collection method: curation. Allele origin: germline.

GeneDx
Classification: Likely benign. Last evaluated: 2020-12-14. Review status: criteria provided, single submitter. Criteria: GeneDx Variant Classification Process June 2021. Collection method: clinical testing. Allele origin: germline. Affected: yes.

Laboratory for Molecular Medicine, Mass General Brigham Personalized Medicine
Classification: Likely benign. Last evaluated: 2015-04-16. Review status: criteria provided, single submitter. Criteria: LMM Criteria. Collection method: clinical testing. Allele origin: germline. Observed: 1 variant allele.
Comment: p.Asp287Asp in exon 8 of NF1: This variant is not expected to have clinical sign ificance because it does not alter an amino acid residue and is not located with in the splice consensus sequence. It has been identified in 9/62312 European chr omosomes by the Exome Aggregation Consortium (ExAC, rg).

Ambry Genetics
Classification: Likely benign for Hereditary cancer-predisposing syndrome. Last evaluated: 2015-01-19. Review status: criteria provided, single submitter. Criteria: Ambry Autosomal Dominant and X-Linked criteria (10/2015). Collection method: clinical testing. Allele origin: germline. Observed: 1 variant allele.

PreventionGenetics, part of Exact Sciences
Classification: Likely benign for NF1-related condition. Last evaluated: 2019-08-01. Review status: no assertion criteria provided. Collection method: clinical testing. Allele origin: germline. Not counted in ClinVar's aggregate classification.
Comment: This variant is classified as likely benign based on ACMG/AMP sequence variant interpretation guidelines (Richards et al. 2015 PMID: 25741868, with internal and published modifications).

NM_001042492.3(NF1):c.861C>T (p.Asp287=)

Gene: NF1 (neurofibromin 1; plus strand). Cytogenetic location: 17q11.2.
Variant type: single nucleotide variant.
Coding change: c.861C>T on transcript NM_001042492.3 (MANE Select); coding-DNA position 861, C replaced by T.
Protein change: p.Asp287=; no amino-acid change (aspartic acid 287 retained).
Molecular consequence: synonymous variant.
Genome position (GRCh38, 1-based): chr17:31,182,638, C>T. VCF-style: chr17-31182638-C-T. GRCh37 (hg19) VCF-style: chr17-29509656-C-T.
Other names: c.861C>T, p.Asp287= (NM_000267.4, NM_001128147.3).
Identifiers: ClinVar variation 184914 (VCV000184914.23), dbSNP rs749949219, ClinGen allele CA190456.
Genomic context (GRCh38, chr17:31,182,638, plus strand): 5'-GCCACTACAAATCATTCTCCTTATCTTGTGTCCAGAAATAATCCAGGATATATCCAAAGA[C>T]GTGGTTGATGAAAACAACATGAATAAGGTAAGGAGGGCAAAATTATTTCCATTATATCTA-3'
Protein context (NP_001035957.1, residues 277-297): CPEIIQDISK[Asp287=]VVDENNMNKK